The following is an entry in ClinVar:

ClinVar aggregate classification (germline): Uncertain significance (1 of 4 stars; one submission).

Submission:

Ambry Genetics
Classification: Uncertain significance. Last evaluated: 2023-12-01. Review status: criteria provided, single submitter. Criteria: Ambry Variant Classification Scheme 2023. Collection method: clinical testing. Allele origin: germline.
Comment: The p.T190K variant (also known as c.569C>A), located in coding exon 6 of the NQO1 gene, results from a C to A substitution at nucleotide position 569. The threonine at codon 190 is replaced by lysine, an amino acid with similar properties. This amino acid position is conserved. In addition, this alteration is predicted to be tolerated by in silico analysis. Since supporting evidence is limited at this time, the clinical significance of this alteration remains unclear.

NM_000903.3(NQO1):c.569C>A (p.Thr190Lys)

Gene: NQO1 (NAD(P)H quinone dehydrogenase 1; minus strand). Cytogenetic location: 16q22.1.
Variant type: single nucleotide variant.
Coding change: c.569C>A on transcript NM_000903.3 (MANE Select); coding-DNA position 569, C replaced by A.
Protein change: p.Thr190Lys; replaces threonine 190 with lysine.
Molecular consequence: missense variant.
Genome position (GRCh38, 1-based): chr16:69,711,232, G>T on the plus strand (C>A on the coding strand, the complement: NQO1 is on the minus strand). VCF-style: chr16-69711232-G-T. GRCh37 (hg19) VCF-style: chr16-69745135-G-T.
Other names: c.467C>A, p.Thr156Lys (NM_001025433.2); c.455C>A, p.Thr152Lys (NM_001025434.2); c.353C>A, p.Thr118Lys (NM_001286137.2); short protein forms T118K, T152K, T156K, T190K.
Identifiers: ClinVar variation 3232314 (VCV003232314.1), dbSNP rs2151741859, ClinGen allele CA396487860.